The following is an entry in ClinVar:

NM_000113.3(TOR1A):c.737A>G (p.Asn246Ser)

Gene: TOR1A (torsin family 1 member A; minus strand). Cytogenetic location: 9q34.11.
Variant type: single nucleotide variant.
Coding change: c.737A>G on transcript NM_000113.3 (MANE Select); coding-DNA position 737, A replaced by G.
Protein change: p.Asn246Ser; replaces asparagine 246 with serine.
Molecular consequence: missense variant.
Genome position (GRCh38, 1-based): chr9:129,818,531, T>C on the plus strand (A>G on the coding strand, the complement: TOR1A is on the minus strand). VCF-style: chr9-129818531-T-C. GRCh37 (hg19) VCF-style: chr9-132580810-T-C.
Other names: short protein forms N246S.
Identifiers: ClinVar variation 2980728 (VCV002980728.3), dbSNP rs561132082, ClinGen allele CA5278569.

ClinVar aggregate classification (germline): Uncertain significance (1 of 4 stars; one submission).

Conditions:
Dystonic disorder. Also called: Dystonia. Identifiers: MedGen C0013421, MONDO:0003441, HP:0001332.

Allele frequency attached by ClinVar (database versions not stated): gnomAD 0.00001; gnomAD exomes 0.00001; TOPMed 0.00001; ExAC 0.00002; 1000 Genomes Project 30x 0.00016; 1000 Genomes Project 0.00020.

Submission:

Labcorp Genetics (formerly Invitae), Labcorp
Classification: Uncertain significance for Dystonic disorder. Last evaluated: 2024-10-29. Review status: criteria provided, single submitter. Criteria: Invitae Variant Classification Sherloc (09022015). Collection method: clinical testing. Allele origin: germline.
Comment: This sequence change replaces asparagine, which is neutral and polar, with serine, which is neutral and polar, at codon 246 of the TOR1A protein (p.Asn246Ser). This variant is present in population databases (rs561132082, gnomAD 0.006%). This variant has not been reported in the literature in individuals affected with TOR1A-related conditions. Invitae Evidence Modeling of protein sequence and biophysical properties (such as structural, functional, and spatial information, amino acid conservation, physicochemical variation, residue mobility, and thermodynamic stability) indicates that this missense variant is not expected to disrupt TOR1A protein function with a negative predictive value of 80%. In summary, the available evidence is currently insufficient to determine the role of this variant in disease. Therefore, it has been classified as a Variant of Uncertain Significance.